The following is an entry in ClinVar:

NM_002087.4(GRN):c.1120TCC[1] (p.Ser375del)

Gene: GRN (granulin precursor; plus strand). Cytogenetic location: 17q21.31.
Variant type: Microsatellite.
Coding change: c.1120TCC[1] on transcript NM_002087.4 (MANE Select); one copy of the 3-base unit TCC starting at c.1120; the reference has two copies in a row; one copy, 3 bases deleted.
Protein change: p.Ser375del; deletes serine 375.
Molecular consequence: inframe deletion.
Genome position (GRCh38, 1-based): chr17:44,351,739-44,351,741, TCC deleted; deleting any 3 consecutive bases within chr17:44,351,734-44,351,741 gives the same sequence; the position shown is the placement nearest the transcript's 3' end. VCF-style (leftmost placement, unchanged base first): chr17-44351733-CCCT-C. GRCh37 (hg19) VCF-style: chr17-42429101-CCCT-C.
Other names: short protein forms S375del.
Identifiers: ClinVar variation 323534 (VCV000323534.14), dbSNP rs754862784, ClinGen allele CA8602103.

ClinVar aggregate classification (germline): Uncertain significance. Review status: criteria provided, multiple submitters, no conflicts (2 of 4 stars). 2 submissions from 2 submitters: Uncertain significance (2). Last evaluated 2022-10-13.

Conditions:
Inborn genetic diseases. Identifiers: MedGen C0950123, MeSH D030342.
GRN-related frontotemporal lobar degeneration with Tdp43 inclusions (FTD2). Also called: DEMENTIA, HEREDITARY DYSPHASIC DISINHIBITION; FRONTOTEMPORAL LOBAR DEGENERATION WITH UBIQUITIN-POSITIVE INCLUSIONS; FTLD-TDP, GRN-RELATED; GRN Frontotemporal Dementia; FRONTOTEMPORAL DEMENTIA WITH TDP43 INCLUSIONS, GRN-RELATED. Identifiers: Orphanet 100070, Orphanet 282, MedGen C1843792, MONDO:0011842, OMIM 607485. Disease mechanism: loss of function.
Neuronal ceroid lipofuscinosis 11. Also called: GRN-Related Neuronal Ceroid-Lipofuscinosis. Identifiers: Orphanet 314629, Orphanet 79262, MedGen C3539123, MONDO:0013866, OMIM 614706.

Submissions (2):

Labcorp Genetics (formerly Invitae), Labcorp
Classification: Uncertain significance for Neuronal ceroid lipofuscinosis 11; GRN-related frontotemporal lobar degeneration with Tdp43 inclusions. Last evaluated: 2022-10-13. Review status: criteria provided, single submitter. Criteria: Invitae Variant Classification Sherloc (09022015). Collection method: clinical testing. Allele origin: germline.
Comment: Experimental studies and prediction algorithms are not available or were not evaluated, and the functional significance of this variant is currently unknown. This variant, c.1123_1125del, results in the deletion of 1 amino acid(s) of the GRN protein (p.Ser375del), but otherwise preserves the integrity of the reading frame. This variant is present in population databases (rs754862784, gnomAD 0.03%). This variant has not been reported in the literature in individuals affected with GRN-related conditions. In summary, the available evidence is currently insufficient to determine the role of this variant in disease. Therefore, it has been classified as a Variant of Uncertain Significance.

Ambry Genetics
Classification: Uncertain significance for Inborn genetic diseases. Last evaluated: 2017-05-31. Review status: criteria provided, single submitter. Criteria: Ambry Variant Classification Scheme 2023. Collection method: clinical testing. Allele origin: germline.
Comment: The c.1123_1125delTCC variant (also known as p.S375del) is located in coding exon 9 of the GRN gene. This variant results from an in-frame TCC deletion at nucleotide positions 1123 to 1125. This results in the in-frame deletion of a serine at codon 375. This amino acid position is poorly conserved in available vertebrate species. Since supporting evidence is limited at this time, the clinical significance of this alteration remains unclear.